The following is an entry in ClinVar:

NM_006231.4(POLE):c.2928C>T (p.Arg976=)

Gene: POLE (DNA polymerase epsilon, catalytic subunit; minus strand). Cytogenetic location: 12q24.33.
Variant type: single nucleotide variant.
Coding change: c.2928C>T on transcript NM_006231.4 (MANE Select); coding-DNA position 2928, C replaced by T.
Protein change: p.Arg976=; no amino-acid change (arginine 976 retained).
Molecular consequence: synonymous variant.
Genome position (GRCh38, 1-based): chr12:132,661,101, G>A on the plus strand (C>T on the coding strand, the complement: POLE is on the minus strand). VCF-style: chr12-132661101-G-A. GRCh37 (hg19) VCF-style: chr12-133237687-G-A.
Other names: p.Arg976=.
Identifiers: ClinVar variation 240449 (VCV000240449.36), dbSNP rs5744845, ClinGen allele CA6893400.

ClinVar aggregate classification (germline): Benign/Likely benign. Review status: criteria provided, multiple submitters, no conflicts (2 of 4 stars). 13 submissions from 13 submitters: Benign (10); Likely benign (2). 1 of the submissions does not count toward it. Last evaluated 2026-02-04.

Conditions:
Colorectal cancer, susceptibility to, 12 (CRCS12). Also called: COLORECTAL CANCER, SUSCEPTIBILITY TO, ON CHROMOSOME 12q24. Identifiers: Orphanet 220460, MedGen C3554460, MONDO:0014038, OMIM 615083.
Familial colorectal cancer type X. Identifiers: Orphanet 440437, MedGen C3896578, MONDO:0018604.
Polymerase proofreading-related adenomatous polyposis. Also called: Polymerase proofreading associated polyposis; Polymerase proofreading–associated polyposis (PPAP). Identifiers: Orphanet 447877, MedGen C5202613, MONDO:0018653.
Hereditary cancer-predisposing syndrome. Also called: Tumor predisposition; Neoplastic Syndromes, Hereditary; Hereditary Cancer Syndrome; Hereditary neoplastic syndrome. Identifiers: Orphanet 140162, MedGen C0027672, MeSH D009386, MONDO:0015356.

Allele frequency attached by ClinVar (database versions not stated): ExAC 0.00312; gnomAD 0.00911 and 0.00958; TOPMed 0.00975; ESP Exome Variant Server 0.01084; 1000 Genomes Project 30x 0.01187; 1000 Genomes Project 0.01198; gnomAD exomes 0.00240.
gnomAD v4.1: 2,651 of 1,613,682 alleles (0.16%); highest among the groups gnomAD compares: African/African-American, 3.1%; 29 homozygotes.

Submissions (13):

Labcorp Genetics (formerly Invitae), Labcorp
Classification: Benign. Last evaluated: 2026-02-04. Review status: criteria provided, single submitter. Criteria: Invitae Variant Classification Sherloc (09022015). Collection method: clinical testing. Allele origin: germline.

Center for Genomic Medicine, Rigshospitalet, Copenhagen University Hospital
Classification: Benign. Last evaluated: 2025-03-04. Review status: criteria provided, single submitter. Criteria: ACMG Guidelines, 2015. Collection method: clinical testing. Allele origin: germline.

KCCC/NGS Laboratory, Kuwait Cancer Control Center
Classification: Benign for Colorectal cancer, susceptibility to, 12. Last evaluated: 2023-07-07. Review status: criteria provided, single submitter. Criteria: ACMG Guidelines, 2015. Collection method: clinical testing. Allele origin: germline. Affected: yes.

Mayo Clinic Laboratories, Mayo Clinic
Classification: Benign. Last evaluated: 2023-04-20. Review status: criteria provided, single submitter. Criteria: ACMG Guidelines, 2015. Collection method: clinical testing. Allele origin: germline. Observed: 5 variant alleles.
Comment: BS1, BS2, BP4, BP7

Department of Pathology and Laboratory Medicine, Sinai Health System
Classification: Benign for Polymerase proofreading-related adenomatous polyposis; Familial colorectal cancer type X. Last evaluated: 2020-09-16. Review status: criteria provided, single submitter. Criteria: ACMG Guidelines, 2015. Collection method: clinical testing. Allele origin: germline. Affected: yes.

ARUP Laboratories, Molecular Genetics and Genomics, ARUP Laboratories
Classification: Benign. Last evaluated: 2020-04-17. Review status: criteria provided, single submitter. Criteria: ARUP Molecular Germline Variant Investigation Process. Collection method: clinical testing. Allele origin: germline.

GeneDx
Classification: Benign. Last evaluated: 2017-12-20. Review status: criteria provided, single submitter. Criteria: GeneDx Variant Classification (06012015). Collection method: clinical testing. Allele origin: germline. Affected: yes.
Comment: This variant is considered likely benign or benign based on one or more of the following criteria: it is a conservative change, it occurs at a poorly conserved position in the protein, it is predicted to be benign by multiple in silico algorithms, and/or has population frequency not consistent with disease.

Women's Health and Genetics/Laboratory Corporation of America, LabCorp
Classification: Benign. Last evaluated: 2017-10-26. Review status: criteria provided, single submitter. Criteria: LabCorp Variant Classification Summary - May 2015. Collection method: clinical testing. Allele origin: germline.
Comment: Variant summary: The POLE c.2928C>T (p.Arg976Arg) variant involves the alteration of a non-conserved nucleotide, resulting in a synonymous change. One in silico tool predicts a damaging outcome for this variant. 4/5 splice prediction tools predict no significant impact on normal splicing. ESE finder predicts that this variant may affect ESE sites. However, these predictions have yet to be confirmed by functional studies. This variant was found in 860/251218 control chromosomes at a frequency of 0.0034233, which is approximately 241 times the estimated maximal expected allele frequency of a pathogenic POLE variant (0.0000142), suggesting this variant is likely a benign polymorphism. In addition, multiple clinical diagnostic laboratories/reputable databases classified this variant as benign/Likely benign. The variant of interest has not, to our knowledge, been reported in affected individuals via publications; nor evaluated for functional impact by in vivo/vitro studies. Taken together, this variant is classified as benign.

PreventionGenetics, part of Exact Sciences
Classification: Benign. Last evaluated: 2016-12-06. Review status: criteria provided, single submitter. Criteria: ACMG Guidelines, 2015. Collection method: clinical testing. Allele origin: germline.

Quest Diagnostics Nichols Institute San Juan Capistrano
Classification: Benign. Last evaluated: 2016-11-16. Review status: criteria provided, single submitter. Criteria: Quest Diagnostics criteria. Collection method: clinical testing. Allele origin: unknown.

Ambry Genetics
Classification: Likely benign for Hereditary cancer-predisposing syndrome. Last evaluated: 2015-12-30. Review status: criteria provided, single submitter. Criteria: Ambry Variant Classification Scheme 2023. Collection method: clinical testing. Allele origin: germline.

Breakthrough Genomics
Classification: Likely benign. Review status: criteria provided, single submitter. Criteria: ACMG Guidelines, 2015. Collection method: not provided. Allele origin: germline. Inheritance: Autosomal recessive inheritance. Affected: yes.

True Health Diagnostics
Classification: Likely benign for Hereditary cancer-predisposing syndrome. Last evaluated: 2017-11-30. Review status: no assertion criteria provided. Collection method: clinical testing. Allele origin: germline. Not counted in ClinVar's aggregate classification.